The following is an entry in ClinVar:

NM_006086.4(TUBB3):c.1139G>C (p.Arg380Pro)

Gene: TUBB3 (tubulin beta 3 class III; plus strand). Cytogenetic location: 16q24.3.
Variant type: single nucleotide variant.
Coding change: c.1139G>C on transcript NM_006086.4 (MANE Select); coding-DNA position 1139, G replaced by C.
Protein change: p.Arg380Pro; replaces arginine 380 with proline.
Molecular consequence: missense variant.
Genome position (GRCh38, 1-based): chr16:89,935,590, G>C. VCF-style: chr16-89935590-G-C. GRCh37 (hg19) VCF-style: chr16-90001998-G-C.
Other names: c.923G>C, p.Arg308Pro (NM_001197181.2); short protein forms R308P, R380P.
Identifiers: ClinVar variation 1320230 (VCV001320230.1), dbSNP rs777149755, ClinGen allele CA397476810.

ClinVar aggregate classification (germline): Likely pathogenic (1 of 4 stars; one submission).

Conditions:
Complex cortical dysplasia with other brain malformations 1. Identifiers: Orphanet 300570, MedGen C3808397, MONDO:0013541, OMIM 614039.

Submission:

3billion
Classification: Likely pathogenic for Complex cortical dysplasia with other brain malformations 1. Last evaluated: 2021-10-02. Review status: criteria provided, single submitter. Criteria: ACMG Guidelines, 2015. Collection method: clinical testing. Allele origin: unknown. Affected: yes. Observed: 1 heterozygote.
Comment: A different missense change at the same codon (p.Arg380Cys) has been reported as pathogenic (PMID: 20074521, PM5). It is not observed in the gnomAD v2.1.1 dataset (PM2). Missense changes are a common disease-causing mechanism (PP2).In silico tool predictions suggest damaging effect of the variant on gene or gene product (REVEL: 0.907, 3Cnet: 0.969, PP3). Therefore, this variant is classified as likely pathogenic according to the recommendation of ACMG/AMP guideline.

Literature cited by the submitters: PubMed 20074521.